The following is an entry in ClinVar:

NM_015404.4(WHRN):c.862C>T (p.Arg288Trp)

Gene: WHRN (whirlin; minus strand). Cytogenetic location: 9q32.
Variant type: single nucleotide variant.
Coding change: c.862C>T on transcript NM_015404.4 (MANE Select); coding-DNA position 862, C replaced by T.
Protein change: p.Arg288Trp; replaces arginine 288 with tryptophan.
Molecular consequence: missense variant. On other transcripts: 5 prime UTR variant (1).
Genome position (GRCh38, 1-based): chr9:114,466,368, G>A on the plus strand (C>T on the coding strand, the complement: WHRN is on the minus strand). VCF-style: chr9-114466368-G-A. GRCh37 (hg19) VCF-style: chr9-117228648-G-A.
Other names: c.-288C>T (NM_001083885.3); c.862C>T, p.Arg288Trp (NM_001173425.2); short protein forms R288W.
Identifiers: ClinVar variation 1504844 (VCV001504844.5), dbSNP rs777415661, ClinGen allele CA5206136.
Genomic context (GRCh38, chr9:114,466,368, plus strand): 5'-CAGTGATGTAAATGCCAAGGCCGTACTCAGCTCCCCCACGGATCGTGAGGCCCAGGGACC[G>A]GCCGTCCCCCAGCACCAGGTTCACCTGTCAGAGGGAGAGGATAACATTAGAGGGACTGGA-3'
Protein context (NP_056219.3, residues 278-298): KKVNLVLGDG[Arg288Trp]SLGLTIRGGA

ClinVar aggregate classification (germline): Uncertain significance (1 of 4 stars; one submission).

Allele frequency attached by ClinVar (database versions not stated): TOPMed below 0.00001; ExAC 0.00002; gnomAD exomes 0.00002.
gnomAD v4.1: 24 of 1,614,064 alleles (0.0015%); highest among the groups gnomAD compares: South Asian, 0.0033%; no homozygotes.

Submission:

Labcorp Genetics (formerly Invitae), Labcorp
Classification: Uncertain significance. Last evaluated: 2022-07-18. Review status: criteria provided, single submitter. Criteria: Invitae Variant Classification Sherloc (09022015). Collection method: clinical testing. Allele origin: germline.
Comment: This sequence change replaces arginine, which is basic and polar, with tryptophan, which is neutral and slightly polar, at codon 288 of the WHRN protein (p.Arg288Trp). This variant is present in population databases (rs777415661, gnomAD 0.006%). This variant has not been reported in the literature in individuals affected with WHRN-related conditions. ClinVar contains an entry for this variant (Variation ID: 1504844). Algorithms developed to predict the effect of missense changes on protein structure and function are either unavailable or do not agree on the potential impact of this missense change (SIFT: "Deleterious"; PolyPhen-2: "Probably Damaging"; Align-GVGD: "Class C0"). In summary, the available evidence is currently insufficient to determine the role of this variant in disease. Therefore, it has been classified as a Variant of Uncertain Significance.